The following is an entry in ClinVar:

ClinVar aggregate classification (germline): Benign. Review status: criteria provided, multiple submitters, no conflicts (2 of 4 stars). 6 submissions from 6 submitters: Benign (5). 1 of the submissions does not count toward it. Last evaluated 2026-02-02.

Conditions:
Familial idiopathic hypercalciuria (HCA2). Also called: Hypercalciuria, absorptive, susceptibility to; Hypercalciuria, absorptive, 2. Identifiers: MedGen C0342639, MONDO:0007748, OMIM 143870.

Allele frequency attached by ClinVar (database versions not stated): ExAC 0.07191; 1000 Genomes Project 0.07588; 1000 Genomes Project 30x 0.07886; gnomAD 0.09557 and 0.09959; TOPMed 0.09867; ESP Exome Variant Server 0.10495.
gnomAD v4.1: 123,354 of 1,611,658 alleles (7.7%); highest among the groups gnomAD compares: African/African-American, 15%; 5,435 homozygotes.

Submissions (6):

Labcorp Genetics (formerly Invitae), Labcorp
Classification: Benign. Last evaluated: 2026-02-02. Review status: criteria provided, single submitter. Criteria: Invitae Variant Classification Sherloc (09022015). Collection method: clinical testing. Allele origin: germline.

Blueprint Genetics
Classification: Benign. Last evaluated: 2024-11-26. Review status: criteria provided, single submitter. Criteria: ACMG Guidelines, 2015. Collection method: clinical testing. Allele origin: germline.

Mayo Clinic Laboratories, Mayo Clinic
Classification: Benign. Last evaluated: 2022-09-23. Review status: criteria provided, single submitter. Criteria: ACMG Guidelines, 2015. Collection method: clinical testing. Allele origin: germline. Observed: 30 variant alleles.
Comment: BA1, BP4

GeneDx
Classification: Benign. Last evaluated: 2019-10-25. Review status: criteria provided, single submitter. Criteria: GeneDx Variant Classification Process June 2021. Collection method: clinical testing. Allele origin: germline. Affected: yes.
Comment: This variant is associated with the following publications: (PMID: 11932268)

Breakthrough Genomics
Classification: Benign. Review status: criteria provided, single submitter. Criteria: ACMG Guidelines, 2015. Collection method: not provided. Allele origin: germline. Inheritance: Autosomal dominant inheritance. Affected: yes.

OMIM
Classification: risk factor for HYPERCALCIURIA, ABSORPTIVE, SUSCEPTIBILITY TO. Last evaluated: 2002-04-01. Review status: no assertion criteria provided. Collection method: literature only. Allele origin: germline. Not counted in ClinVar's aggregate classification.

Literature cited by the submitters: PubMed 11932268 (cited by OMIM).

NM_018417.6(ADCY10):c.701C>T (p.Thr234Met)

Genes: ADCY10 (adenylate cyclase 10; minus strand), DCAF6 (DDB1 and CUL4 associated factor 6; plus strand). Cytogenetic location: 1q24.2.
Variant type: single nucleotide variant.
Coding change: c.701C>T on transcript NM_018417.6 (MANE Select); coding-DNA position 701, C replaced by T.
Protein change: p.Thr234Met; replaces threonine 234 with methionine.
Molecular consequence: missense variant.
Genome position (GRCh38, 1-based): chr1:167,896,633, G>A on the plus strand (C>T on the coding strand, the complement: ADCY10 is on the minus strand). VCF-style: chr1-167896633-G-A. GRCh37 (hg19) VCF-style: chr1-167865871-G-A.
Other names: p.Thr234Met; 923C-T; c.242C>T, p.Thr81Met (NM_001167749.3); c.425C>T, p.Thr142Met (NM_001297772.2); short protein forms T142M, T234M, T81M.
Identifiers: ClinVar variation 1167838 (VCV001167838.13), dbSNP rs16859886, ClinGen allele CA1228215.